The following is an entry in ClinVar:

ClinVar aggregate classification (germline): Uncertain significance. Review status: criteria provided, multiple submitters, no conflicts (2 of 4 stars). 2 submissions from 2 submitters: Uncertain significance (2). Last evaluated 2022-08-08.

Conditions:
Inborn genetic diseases. Identifiers: MedGen C0950123, MeSH D030342.
Primary ciliary dyskinesia. Also called: Ciliary dyskinesia. Identifiers: Orphanet 244, MedGen C0008780, MONDO:0016575, HP:0012265.

Allele frequency attached by ClinVar (database versions not stated): TOPMed 0.00004; gnomAD exomes 0.00007.
gnomAD v4.1: 10 of 1,536,094 alleles (0.00065%); highest among the groups gnomAD compares: Admixed American, 0.02%; no homozygotes.

Submissions (2):

Ambry Genetics
Classification: Uncertain significance for Inborn genetic diseases. Last evaluated: 2022-08-08. Review status: criteria provided, single submitter. Criteria: Ambry Variant Classification Scheme 2023. Collection method: clinical testing. Allele origin: germline.

Labcorp Genetics (formerly Invitae), Labcorp
Classification: Uncertain significance for Primary ciliary dyskinesia. Last evaluated: 2022-07-15. Review status: criteria provided, single submitter. Criteria: Invitae Variant Classification Sherloc (09022015). Collection method: clinical testing. Allele origin: germline.
Comment: This sequence change replaces valine, which is neutral and non-polar, with leucine, which is neutral and non-polar, at codon 122 of the MCIDAS protein (p.Val122Leu). This variant is present in population databases (no rsID available, gnomAD 0.04%). This variant has not been reported in the literature in individuals affected with MCIDAS-related conditions. ClinVar contains an entry for this variant (Variation ID: 664061). Algorithms developed to predict the effect of missense changes on protein structure and function are either unavailable or do not agree on the potential impact of this missense change (SIFT: "Deleterious"; PolyPhen-2: "Benign"; Align-GVGD: "Class C0"). In summary, the available evidence is currently insufficient to determine the role of this variant in disease. Therefore, it has been classified as a Variant of Uncertain Significance.

NM_001190787.3(MCIDAS):c.364G>C (p.Val122Leu)

Gene: MCIDAS (multiciliate differentiation and DNA synthesis associated cell cycle protein; minus strand). Cytogenetic location: 5q11.2.
Variant type: single nucleotide variant.
Coding change: c.364G>C on transcript NM_001190787.3 (MANE Select); coding-DNA position 364, G replaced by C.
Protein change: p.Val122Leu; replaces valine 122 with leucine.
Molecular consequence: missense variant.
Genome position (GRCh38, 1-based): chr5:55,222,969, C>G on the plus strand (G>C on the coding strand, the complement: MCIDAS is on the minus strand). VCF-style: chr5-55222969-C-G. GRCh37 (hg19) VCF-style: chr5-54518797-C-G.
Other names: short protein forms V122L.
Identifiers: ClinVar variation 664061 (VCV000664061.7), dbSNP rs1051677967, ClinGen allele CA118982200.
Genomic context (GRCh38, chr5:55,222,969, plus strand): 5'-GACACCCCCGCTGTTATTTAACTGCCAGGAGACTGCACTTGCCTGAAATGAGATCATCCA[C>G]CGTGTCTCTGAAATCTTGCAGATTGAAGTCTGCTTCCGTTTGGTGGGAATGGTTCTGAAA-3'
Protein context (NP_001177716.1, residues 112-132): DFNLQDFRDT[Val122Leu]DDLISDSSSM